The following is an entry in ClinVar:

NM_004656.4(BAP1):c.1117-18C>T

Gene: BAP1 (BRCA1 associated deubiquitinase 1; minus strand). Cytogenetic location: 3p21.1.
Variant type: single nucleotide variant.
Coding change: c.1117-18C>T on transcript NM_004656.4 (MANE Select); 18 bases into the intron before coding-DNA position 1117, C replaced by T.
Molecular consequence: intron variant.
Genome position (GRCh38, 1-based): chr3:52,404,604, G>A on the plus strand (C>T on the coding strand, the complement: BAP1 is on the minus strand). VCF-style: chr3-52404604-G-A. GRCh37 (hg19) VCF-style: chr3-52438620-G-A.
Identifiers: ClinVar variation 918264 (VCV000918264.6), dbSNP rs1705090001, ClinGen allele CA913188175.

ClinVar aggregate classification (germline): Likely benign. Review status: criteria provided, multiple submitters, no conflicts (2 of 4 stars). 3 submissions from 3 submitters: Likely benign (3). Last evaluated 2025-09-03.

Conditions:
Hereditary cancer-predisposing syndrome. Also called: Neoplastic Syndromes, Hereditary; Tumor predisposition; Hereditary Cancer Syndrome; Hereditary neoplastic syndrome. Identifiers: Orphanet 140162, MedGen C0027672, MeSH D009386, MONDO:0015356.
BAP1-related tumor predisposition syndrome (TPDS1). Also called: Tumor susceptibility linked to germline BAP1 mutations; COMMON Syndrome; TUMOR PREDISPOSITION SYNDROME 1; BAP1 tumor predisposition syndrome. Identifiers: Orphanet 289539, MedGen C3280492, MONDO:0013692, OMIM 614327.

Allele frequency attached by ClinVar (database versions not stated): TOPMed 0.00001.

Submissions (3):

Labcorp Genetics (formerly Invitae), Labcorp
Classification: Likely benign for BAP1-related tumor predisposition syndrome. Last evaluated: 2025-09-03. Review status: criteria provided, single submitter. Criteria: Invitae Variant Classification Sherloc (09022015). Collection method: clinical testing. Allele origin: germline.

Myriad Genetics, Inc.
Classification: Likely benign for BAP1-related tumor predisposition syndrome. Last evaluated: 2024-07-15. Review status: criteria provided, single submitter. Criteria: Myriad Autosomal Dominant, Autosomal Recessive and X-Linked Classification Criteria (2023). Collection method: clinical testing. Allele origin: unknown.
Comment: This variant is considered likely benign. This variant is intronic and is not expected to impact mRNA splicing.

Color Diagnostics, LLC DBA Color Health
Classification: Likely benign for Hereditary cancer-predisposing syndrome. Last evaluated: 2019-05-14. Review status: criteria provided, single submitter. Criteria: ACMG Guidelines, 2015. Collection method: clinical testing. Allele origin: germline.